The following is an entry in ClinVar:

ClinVar aggregate classification (germline): Uncertain significance. Review status: criteria provided, multiple submitters, no conflicts (2 of 4 stars). 2 submissions from 2 submitters: Uncertain significance (2). Last evaluated 2025-07-23.

Conditions:
Inborn genetic diseases. Identifiers: MedGen C0950123, MeSH D030342.

gnomAD v4.1: 7 of 1,612,764 alleles (0.00043%); highest among the groups gnomAD compares: African/African-American, 0.0093%; no homozygotes.

Submissions (2):

GeneDx
Classification: Uncertain significance. Last evaluated: 2025-07-23. Review status: criteria provided, single submitter. Criteria: GeneDx Variant Classification Process June 2021. Collection method: clinical testing. Allele origin: germline. Affected: yes.
Comment: Not observed at significant frequency in large population cohorts (gnomAD); In silico analysis suggests that this missense variant does not alter protein structure/function; Has not been previously published as pathogenic or benign to our knowledge

Ambry Genetics
Classification: Uncertain significance for Inborn genetic diseases. Last evaluated: 2024-09-03. Review status: criteria provided, single submitter. Criteria: Ambry Variant Classification Scheme 2023. Collection method: clinical testing. Allele origin: germline.

NM_133259.4(LRPPRC):c.2601G>C (p.Glu867Asp)

Gene: LRPPRC (leucine rich pentatricopeptide repeat containing; minus strand). Cytogenetic location: 2p21.
Variant type: single nucleotide variant.
Coding change: c.2601G>C on transcript NM_133259.4 (MANE Select); coding-DNA position 2601, G replaced by C.
Protein change: p.Glu867Asp; replaces glutamic acid 867 with aspartic acid.
Molecular consequence: missense variant.
Genome position (GRCh38, 1-based): chr2:43,934,782, C>G on the plus strand (G>C on the coding strand, the complement: LRPPRC is on the minus strand). VCF-style: chr2-43934782-C-G. GRCh37 (hg19) VCF-style: chr2-44161921-C-G.
Other names: short protein forms E867D.
Identifiers: ClinVar variation 3539755 (VCV003539755.2).
Genomic context (GRCh38, chr2:43,934,782, plus strand): 5'-AAACTACATTAAGATACTAGAAAGTGACTCACCTTTCTGAATTAGATCAGTCTCGCCTTT[C>G]TCTACCAGTTTACACAAGACATCATGAATCCTTGGTAATACTTTATACTTTTCATAGCAG-3'
Protein context (NP_573566.2, residues 857-877): RIHDVLCKLV[Glu867Asp]KGETDLIQKA